The following is an entry in ClinVar:

NM_004984.4(KIF5A):c.1357G>A (p.Glu453Lys)

Gene: KIF5A (kinesin family member 5A; plus strand). Cytogenetic location: 12q13.3.
Variant type: single nucleotide variant.
Coding change: c.1357G>A on transcript NM_004984.4 (MANE Select); coding-DNA position 1357, G replaced by A.
Protein change: p.Glu453Lys; replaces glutamic acid 453 with lysine.
Molecular consequence: missense variant.
Genome position (GRCh38, 1-based): chr12:57,571,384, G>A. VCF-style: chr12-57571384-G-A. GRCh37 (hg19) VCF-style: chr12-57965167-G-A.
Other names: c.1090G>A, p.Glu364Lys (NM_001354705.2); short protein forms E453K, E364K.
Identifiers: ClinVar variation 1994505 (VCV001994505.4), dbSNP rs2540503057, ClinGen allele CA385505079.

ClinVar aggregate classification (germline): Uncertain significance (1 of 4 stars; one submission).

Conditions:
Spastic paraplegia. Identifiers: MedGen C0037772, HP:0001258.

Allele frequency attached by ClinVar (database versions not stated): gnomAD exomes below 0.00001.
gnomAD v4.1: 1 of 1,613,850 alleles (0.000062%); highest among the groups gnomAD compares: Non-Finnish European, 0.000085%; no homozygotes.

Submission:

Labcorp Genetics (formerly Invitae), Labcorp
Classification: Uncertain significance for Spastic paraplegia. Last evaluated: 2022-05-14. Review status: criteria provided, single submitter. Criteria: Invitae Variant Classification Sherloc (09022015). Collection method: clinical testing. Allele origin: germline.
Comment: This sequence change replaces glutamic acid, which is acidic and polar, with lysine, which is basic and polar, at codon 453 of the KIF5A protein (p.Glu453Lys). This variant is not present in population databases (gnomAD no frequency). This variant has not been reported in the literature in individuals affected with KIF5A-related conditions. Advanced modeling of protein sequence and biophysical properties (such as structural, functional, and spatial information, amino acid conservation, physicochemical variation, residue mobility, and thermodynamic stability) performed at Invitae indicates that this missense variant is not expected to disrupt KIF5A protein function. In summary, the available evidence is currently insufficient to determine the role of this variant in disease. Therefore, it has been classified as a Variant of Uncertain Significance.